The following is an entry in ClinVar:

NM_001042492.3(NF1):c.7970+2T>G

Gene: NF1 (neurofibromin 1; plus strand). Cytogenetic location: 17q11.2.
Variant type: single nucleotide variant.
Coding change: c.7970+2T>G on transcript NM_001042492.3 (MANE Select); the canonical splice donor site of the intron after coding-DNA position 7970, T replaced by G.
Molecular consequence: splice donor variant.
Genome position (GRCh38, 1-based): chr17:31,357,371, T>G. VCF-style: chr17-31357371-T-G. GRCh37 (hg19) VCF-style: chr17-29684389-T-G.
Other names: c.7907+2T>G (NM_000267.4).
Identifiers: ClinVar variation 3075932 (VCV003075932.1), dbSNP rs2151583480, ClinGen allele CA399203576.

ClinVar aggregate classification (germline): Likely pathogenic (1 of 4 stars; one submission).

Conditions:
Neurofibromatosis, type 1 (NF1). Also called: Neurofibromatosis, type I; VON RECKLINGHAUSEN DISEASE; NEUROFIBROMATOSIS, TYPE I, SOMATIC; Peripheral type neurofibromatosis. Identifiers: Orphanet 636, MedGen C0027831, MONDO:0018975, OMIM 162200. Disease mechanism: loss of function.

Submission:

Laboratory for Molecular Medicine, Mass General Brigham Personalized Medicine
Classification: Likely pathogenic for Neurofibromatosis, type 1. Last evaluated: 2023-02-02. Review status: criteria provided, single submitter. Criteria: ACMG Guidelines, 2015. Collection method: clinical testing. Allele origin: germline.
Comment: The c.7970+2T>G variant in NF1 has not been reported in individuals with neurofibromatosis as absent from large population databases. This variant occurs within the canonical splice site (+/- 1,2) and is predicted to cause altered splicing leading to an abnormal or absent protein.Loss of function of the NF1 gene is an established disease mechanism in autosomal dominant neurofibromatosis. In summary, though additional studies are required to fully establish its clinical significance, this variant meets criteria to be classified as likely pathogenic for autosomal dominant neurofibromatosis.ACMG/AMP criteria applied: PVS1_Strong, PM2_Supporting.